The following is an entry in ClinVar:

NM_182914.3(SYNE2):c.4906G>A (p.Asp1636Asn)

Gene: SYNE2 (spectrin repeat containing nuclear envelope protein 2; plus strand). Cytogenetic location: 14q23.2.
Variant type: single nucleotide variant.
Coding change: c.4906G>A on transcript NM_182914.3 (MANE Select); coding-DNA position 4906, G replaced by A.
Protein change: p.Asp1636Asn; replaces aspartic acid 1636 with asparagine.
Molecular consequence: missense variant.
Genome position (GRCh38, 1-based): chr14:64,017,613, G>A. VCF-style: chr14-64017613-G-A. GRCh37 (hg19) VCF-style: chr14-64484331-G-A.
Other names: c.4906G>A (NM_182914.2); c.4906G>A, p.Asp1636Asn (NM_015180.6); short protein forms D1636N.
Identifiers: ClinVar variation 1469746 (VCV001469746.13), dbSNP rs1030213853, ClinGen allele CA261806805.
Genomic context (GRCh38, chr14:64,017,613, plus strand): 5'-TTCACTGCTACATATGTTGTTTCTCTTTTTAAATTATGGTAGATAAATGAGAAGACAGAA[G>A]ATTACTATGAAAATCTTGGTCGAGCTCTAGCTTTGTGGGACAAACTTTTTAACTTAAAAA-3'
Protein context (NP_878918.2, residues 1626-1646): RWLDINEKTE[Asp1636Asn]YYENLGRALA

ClinVar aggregate classification (germline): Uncertain significance. Review status: criteria provided, multiple submitters, no conflicts (2 of 4 stars). 3 submissions from 3 submitters: Uncertain significance (3). Last evaluated 2025-04-08.

Conditions:
Emery-Dreifuss muscular dystrophy 5, autosomal dominant (EDMD5). Also called: EMERY-DREIFUSS MUSCULAR DYSTROPHY 5. Identifiers: Orphanet 261, MedGen C2751805, MONDO:0013072, OMIM 612999.

Allele frequency attached by ClinVar (database versions not stated): TOPMed 0.00003; gnomAD 0.00005 and 0.00006; gnomAD exomes 0.00005.
gnomAD v4.1: 75 of 1,612,502 alleles (0.0047%); highest among the groups gnomAD compares: Non-Finnish European, 0.0063%; no homozygotes.

Submissions (3):

Labcorp Genetics (formerly Invitae), Labcorp
Classification: Uncertain significance for Emery-Dreifuss muscular dystrophy 5, autosomal dominant. Last evaluated: 2025-04-08. Review status: criteria provided, single submitter. Criteria: Invitae Variant Classification Sherloc (09022015). Collection method: clinical testing. Allele origin: germline.
Comment: This sequence change replaces aspartic acid, which is acidic and polar, with asparagine, which is neutral and polar, at codon 1636 of the SYNE2 protein (p.Asp1636Asn). This variant is present in population databases (no rsID available, gnomAD 0.0009%). This variant has not been reported in the literature in individuals affected with SYNE2-related conditions. ClinVar contains an entry for this variant (Variation ID: 1469746). An algorithm developed to predict the effect of missense changes on protein structure and function outputs the following: PolyPhen-2: "Benign". The asparagine amino acid residue is found in multiple mammalian species, which suggests that this missense change does not adversely affect protein function. In summary, the available evidence is currently insufficient to determine the role of this variant in disease. Therefore, it has been classified as a Variant of Uncertain Significance.

Ambry Genetics
Classification: Uncertain significance. Last evaluated: 2023-06-12. Review status: criteria provided, single submitter. Criteria: Ambry Variant Classification Scheme 2023. Collection method: clinical testing. Allele origin: germline.

Revvity Omics, Revvity
Classification: Uncertain significance for Emery-Dreifuss muscular dystrophy 5, autosomal dominant. Last evaluated: 2019-11-14. Review status: criteria provided, single submitter. Criteria: ACMG Guidelines, 2015. Collection method: clinical testing. Allele origin: germline.